The following is an entry in ClinVar:

ClinVar aggregate classification (germline): Conflicting classifications of pathogenicity. Review status: criteria provided, conflicting classifications (1 of 4 stars). 6 submissions from 6 submitters: Uncertain significance (2); Likely benign (4). Last evaluated 2026-06-01.

Conditions:
Inborn genetic diseases. Identifiers: MedGen C0950123, MeSH D030342.

Allele frequency attached by ClinVar (database versions not stated): 1000 Genomes Project 30x 0.00016; 1000 Genomes Project 0.00020; gnomAD 0.00088 and 0.00089; TOPMed 0.00089; ESP Exome Variant Server 0.00109.
gnomAD v4.1: 1,892 of 1,613,546 alleles (0.12%); highest among the groups gnomAD compares: Non-Finnish European, 0.14%; 1 homozygote.

Submissions (6):

CeGaT Center for Human Genetics Tuebingen
Classification: Likely benign. Last evaluated: 2026-06-01. Review status: criteria provided, single submitter. Criteria: CeGaT Center For Human Genetics Tuebingen Variant Classification Criteria Version 2. Collection method: clinical testing. Allele origin: germline. Affected: yes. Observed: 4 variant alleles.
Comment: ACAN: BP4, BS1

Women's Health and Genetics/Laboratory Corporation of America, LabCorp
Classification: Likely benign. Last evaluated: 2026-05-15. Review status: criteria provided, single submitter. Criteria: LabCorp Variant Classification Summary - May 2015. Collection method: clinical testing. Allele origin: germline.
Comment: Variant summary: ACAN c.7189G>A (p.Val2397Ile) results in a conservative amino acid change in the encoded protein sequence. Algorithms developed to predict the effect of missense changes on protein structure and function all suggest that this variant is likely to be tolerated. The variant allele was found at a frequency of 0.00074 in 247260 control chromosomes in the gnomAD database, including 1 homozygotes. This frequency is not significantly higher than estimated for disease-causing variants in ACAN, allowing no conclusion about variant significance. To our knowledge, no occurrence of c.7189G>A in individuals affected with ACAN-related conditions and no experimental evidence demonstrating its impact on protein function have been reported. ClinVar contains an entry for this variant (Variation ID: 445914). Based on the evidence outlined above, the variant was classified as likely benign.

Labcorp Genetics (formerly Invitae), Labcorp
Classification: Likely benign. Last evaluated: 2026-01-07. Review status: criteria provided, single submitter. Criteria: Invitae Variant Classification Sherloc (09022015). Collection method: clinical testing. Allele origin: germline.

Ambry Genetics
Classification: Uncertain significance for Inborn genetic diseases. Last evaluated: 2021-08-12. Review status: criteria provided, single submitter. Criteria: Ambry Variant Classification Scheme 2023. Collection method: clinical testing. Allele origin: germline.

Eurofins Ntd Llc (ga)
Classification: Uncertain significance. Last evaluated: 2017-08-31. Review status: criteria provided, single submitter. Criteria: EGL Classification Definitions 2015. Collection method: clinical testing. Allele origin: germline. Observed: 1 variant allele, 1 heterozygote.

Center for Pediatric Genomic Medicine, Children's Mercy Hospital and Clinics
Classification: Likely benign. Last evaluated: 2017-04-27. Review status: criteria provided, single submitter. Criteria: ACMG Guidelines, 2015. Collection method: clinical testing. Allele origin: germline.

NM_001369268.1(ACAN):c.7189G>A (p.Val2397Ile)

Gene: ACAN (aggrecan; plus strand). Cytogenetic location: 15q26.1.
Variant type: single nucleotide variant.
Coding change: c.7189G>A on transcript NM_001369268.1 (MANE Select); coding-DNA position 7189, G replaced by A.
Protein change: p.Val2397Ile; replaces valine 2397 with isoleucine.
Molecular consequence: missense variant.
Genome position (GRCh38, 1-based): chr15:88,871,510, G>A. VCF-style: chr15-88871510-G-A. GRCh37 (hg19) VCF-style: chr15-89414741-G-A.
Other names: c.6961G>A, p.Val2321Ile (NM_001135.4); c.7075G>A, p.Val2359Ile (NM_013227.4); short protein forms V2359I, V2397I, V2321I.
Identifiers: ClinVar variation 445914 (VCV000445914.43), dbSNP rs150555123, ClinGen allele CA7720585.